The following is an entry in ClinVar:

ClinVar aggregate classification (germline): Uncertain significance. Review status: criteria provided, multiple submitters, no conflicts (2 of 4 stars). 4 submissions from 4 submitters: Uncertain significance (4). Last evaluated 2025-03-04.

Conditions:
Hereditary cancer-predisposing syndrome. Also called: Neoplastic Syndromes, Hereditary; Hereditary Cancer Syndrome; Tumor predisposition; Hereditary neoplastic syndrome. Identifiers: Orphanet 140162, MedGen C0027672, MeSH D009386, MONDO:0015356.
Familial cancer of breast. Also called: Hereditary breast cancer; hereditary breast carcinoma; BREAST CANCER, FAMILIAL. Identifiers: Orphanet 227535, MedGen C0346153, MONDO:0016419, OMIM 114480. Disease mechanism: loss of function.
Fanconi anemia complementation group J. Also called: BRIP1-Related Fanconi Anemia. Identifiers: Orphanet 84, MedGen C1836860, MONDO:0012187, OMIM 609054.

Submissions (4):

Center for Genomic Medicine, Rigshospitalet, Copenhagen University Hospital
Classification: Uncertain significance. Last evaluated: 2025-03-04. Review status: criteria provided, single submitter. Criteria: ACMG Guidelines, 2015. Collection method: clinical testing. Allele origin: germline.

Ambry Genetics
Classification: Uncertain significance for Hereditary cancer-predisposing syndrome. Last evaluated: 2024-05-19. Review status: criteria provided, single submitter. Criteria: Ambry Variant Classification Scheme 2023. Collection method: clinical testing. Allele origin: germline.
Comment: The p.Q1114H variant (also known as c.3342G>C), located in coding exon 19 of the BRIP1 gene, results from a G to C substitution at nucleotide position 3342. The glutamine at codon 1114 is replaced by histidine, an amino acid with highly similar properties. This amino acid position is conserved. In addition, this alteration is predicted to be tolerated by in silico analysis. Based on the available evidence, the clinical significance of this variant remains unclear.

Labcorp Genetics (formerly Invitae), Labcorp
Classification: Uncertain significance for Familial cancer of breast; Fanconi anemia complementation group J. Last evaluated: 2022-09-01. Review status: criteria provided, single submitter. Criteria: Invitae Variant Classification Sherloc (09022015). Collection method: clinical testing. Allele origin: germline.
Comment: This sequence change replaces glutamine, which is neutral and polar, with histidine, which is basic and polar, at codon 1114 of the BRIP1 protein (p.Gln1114His). This variant is not present in population databases (gnomAD no frequency). This variant has not been reported in the literature in individuals affected with BRIP1-related conditions. ClinVar contains an entry for this variant (Variation ID: 1315629). Algorithms developed to predict the effect of missense changes on protein structure and function output the following: SIFT: "Tolerated"; PolyPhen-2: "Benign"; Align-GVGD: "Class C0". The histidine amino acid residue is found in multiple mammalian species, which suggests that this missense change does not adversely affect protein function. In summary, the available evidence is currently insufficient to determine the role of this variant in disease. Therefore, it has been classified as a Variant of Uncertain Significance.

GeneDx
Classification: Uncertain significance. Last evaluated: 2019-05-29. Review status: criteria provided, single submitter. Criteria: GeneDx Variant Classification Process June 2021. Collection method: clinical testing. Allele origin: germline. Affected: yes.
Comment: Not observed in large population cohorts (Lek et al., 2016); In silico analysis, which includes protein predictors and evolutionary conservation, supports that this variant does not alter protein structure/function; Has not been previously published as pathogenic or benign to our knowledge

NM_032043.3(BRIP1):c.3342G>C (p.Gln1114His)

Gene: BRIP1 (BRCA1 interacting DNA helicase 1; minus strand). Cytogenetic location: 17q23.2.
Variant type: single nucleotide variant.
Coding change: c.3342G>C on transcript NM_032043.3 (MANE Select); coding-DNA position 3342, G replaced by C.
Protein change: p.Gln1114His; replaces glutamine 1114 with histidine.
Molecular consequence: missense variant.
Genome position (GRCh38, 1-based): chr17:61,683,704, C>G on the plus strand (G>C on the coding strand, the complement: BRIP1 is on the minus strand). VCF-style: chr17-61683704-C-G. GRCh37 (hg19) VCF-style: chr17-59761065-C-G.
Other names: short protein forms Q1114H.
Identifiers: ClinVar variation 1315629 (VCV001315629.15), dbSNP rs2144079516, ClinGen allele CA400478939.